The following is an entry in ClinVar:

ClinVar aggregate classification (germline): Uncertain significance (0 of 4 stars; one submission).

Conditions:
SEMA6B-related disorder. Also called: SEMA6B-related condition.

Submission:

PreventionGenetics, part of Exact Sciences
Classification: Uncertain significance for SEMA6B-related condition. Last evaluated: 2024-05-16. Review status: no assertion criteria provided. Collection method: clinical testing. Allele origin: germline.
Comment: The SEMA6B c.371G>C variant is predicted to result in the amino acid substitution p.Gly124Ala. To our knowledge, this variant has not been reported in the literature or in a large population database, indicating this variant is rare. At this time, the clinical significance of this variant is uncertain due to the absence of conclusive functional and genetic evidence.

NM_032108.4(SEMA6B):c.371G>C (p.Gly124Ala)

Gene: SEMA6B (semaphorin 6B; minus strand). Cytogenetic location: 19p13.3.
Variant type: single nucleotide variant.
Coding change: c.371G>C on transcript NM_032108.4 (MANE Select); coding-DNA position 371, G replaced by C.
Protein change: p.Gly124Ala; replaces glycine 124 with alanine.
Molecular consequence: missense variant.
Genome position (GRCh38, 1-based): chr19:4,556,088, C>G on the plus strand (G>C on the coding strand, the complement: SEMA6B is on the minus strand). VCF-style: chr19-4556088-C-G. GRCh37 (hg19) VCF-style: chr19-4556100-C-G.
Other names: short protein forms G124A.
Identifiers: ClinVar variation 3346105 (VCV003346105.1).
Genomic context (GRCh38, chr19:4,556,088, plus strand): 5'-CACACAAAGAGCGTGGACTCGTCCCGAAGGAGCAGCACCTTTACGAAGTTTCGACACTCG[C>G]CCTGAGGTGGGGACAGGAGGAAGCGGGGAGCGCGATGTGGGCGTGGTCATGGTGATGGGC-3'
Protein context (NP_115484.2, residues 114-134): NVCRMKGKQE[Gly124Ala]ECRNFVKVLL